The following is an entry in ClinVar:

NM_001163809.2(WDR81):c.295C>T (p.Pro99Ser)

Gene: WDR81 (WD repeat domain 81; plus strand). Cytogenetic location: 17p13.3.
Variant type: single nucleotide variant.
Coding change: c.295C>T on transcript NM_001163809.2 (MANE Select); coding-DNA position 295, C replaced by T.
Protein change: p.Pro99Ser; replaces proline 99 with serine.
Molecular consequence: missense variant. On other transcripts: intron variant (3).
Genome position (GRCh38, 1-based): chr17:1,725,254, C>T. VCF-style: chr17-1725254-C-T. GRCh37 (hg19) VCF-style: chr17-1628548-C-T.
Other names: c.-123-2736C>T (NM_152348.4); c.59-5126C>T (NM_001163673.2); c.-15+468C>T (NM_001163811.2); short protein forms P99S.
Identifiers: ClinVar variation 2614654 (VCV002614654.3), dbSNP rs759576501, ClinGen allele CA8272976.
Genomic context (GRCh38, chr17:1,725,254, plus strand): 5'-GCAGAGGGCCTGGGAGAAGCGGAAGTCAGGACTCTCCTGCAGCGCTCTGTGCAAAGGCTG[C>T]CTGCCGGCTGGACGCGCGTGGAGGTGCATGGGCTGCGGAAGCGGAGACTGTCCTACCCTC-3'
Protein context (NP_001157281.1, residues 89-109): TLLQRSVQRL[Pro99Ser]AGWTRVEVHG

ClinVar aggregate classification (germline): Uncertain significance. Review status: criteria provided, multiple submitters, no conflicts (2 of 4 stars). 2 submissions from 2 submitters: Uncertain significance (2). Last evaluated 2026-04-21.

Conditions:
Inborn genetic diseases. Identifiers: MedGen C0950123, MeSH D030342.

Allele frequency attached by ClinVar (database versions not stated): gnomAD exomes 0.00001; ExAC 0.00007.
gnomAD v4.1: 8 of 1,543,746 alleles (0.00052%); highest among the groups gnomAD compares: South Asian, 0.0083%; no homozygotes.

Submissions (2):

GeneDx
Classification: Uncertain significance. Last evaluated: 2026-04-21. Review status: criteria provided, single submitter. Criteria: GeneDx Variant Classification Process June 2021. Collection method: clinical testing. Allele origin: germline.
Comment: Not observed at significant frequency in large population cohorts (gnomAD); In silico analysis supports that this missense variant has a deleterious effect on protein structure/function; Has not been previously published as pathogenic or benign to our knowledge

Ambry Genetics
Classification: Uncertain significance for Inborn genetic diseases. Last evaluated: 2023-07-30. Review status: criteria provided, single submitter. Criteria: Ambry Variant Classification Scheme 2023. Collection method: clinical testing. Allele origin: germline.